The following is an entry in ClinVar:

NM_001035.3(RYR2):c.10376A>G (p.Tyr3459Cys)

Gene: RYR2 (ryanodine receptor 2; plus strand). Cytogenetic location: 1q43.
Variant type: single nucleotide variant.
Coding change: c.10376A>G on transcript NM_001035.3 (MANE Select); coding-DNA position 10376, A replaced by G.
Protein change: p.Tyr3459Cys; replaces tyrosine 3459 with cysteine.
Molecular consequence: missense variant.
Genome position (GRCh38, 1-based): chr1:237,717,250, A>G. VCF-style: chr1-237717250-A-G. GRCh37 (hg19) VCF-style: chr1-237880550-A-G.
Other names: short protein forms Y3459C.
Identifiers: ClinVar variation 1986982 (VCV001986982.5), dbSNP rs1280498286, ClinGen allele CA345414356.

ClinVar aggregate classification (germline): Uncertain significance. Review status: criteria provided, multiple submitters, no conflicts (2 of 4 stars). 2 submissions from 2 submitters: Uncertain significance (2). Last evaluated 2023-06-26.

Conditions:
Catecholaminergic polymorphic ventricular tachycardia (CVPT). Also called: Catecholamine-induced polymorphic ventricular tachycardia. Identifiers: Orphanet 3286, MedGen C5574922, MONDO:0017990.
Catecholaminergic polymorphic ventricular tachycardia 1. Also called: VENTRICULAR TACHYCARDIA, CATECHOLAMINERGIC POLYMORPHIC, 1, WITH OR WITHOUT ATRIAL DYSFUNCTION AND/OR DILATED CARDIOMYOPATHY; RYR2-Related Catecholaminergic Polymorphic Ventricular Tachycardia; VENTRICULAR TACHYCARDIA, STRESS-INDUCED POLYMORPHIC 1. Identifiers: Orphanet 3286, MedGen C1631597, MONDO:0011484, OMIM 604772.

Allele frequency attached by ClinVar (database versions not stated): gnomAD exomes below 0.00001; gnomAD 0.00001.
gnomAD v4.1: 3 of 1,613,674 alleles (0.00019%); highest among the groups gnomAD compares: Non-Finnish European, 0.00025%; no homozygotes.

Submissions (2):

All of Us Research Program, National Institutes of Health
Classification: Uncertain significance for Catecholaminergic polymorphic ventricular tachycardia. Last evaluated: 2023-06-26. Review status: criteria provided, single submitter. Criteria: ACMG Guidelines, 2015. Collection method: clinical testing. Allele origin: germline. Inheritance: Autosomal dominant inheritance. Observed: 1 variant allele, 1 heterozygote.
Comment: This missense variant replaces tyrosine with cysteine at codon 3459 of the RYR2 protein. Computational prediction suggests that this variant may have deleterious impact on protein structure and function (internally defined REVEL score threshold >= 0.7, PMID: 27666373). To our knowledge, functional studies have not been reported for this variant. This variant has not been reported in individuals affected with RYR2-related disorders in the literature. This variant has been identified in 1/248870 chromosomes in the general population by the Genome Aggregation Database (gnomAD). The available evidence is insufficient to determine the role of this variant in disease conclusively. Therefore, this variant is classified as a Variant of Uncertain Significance.

This study involves interpretation of variants in research participants for the purpose of population health screening. Participant phenotype was not available at the time of variant classification. Additional details can be found in publication PMID: 35346344, PMCID: PMC8962531

Labcorp Genetics (formerly Invitae), Labcorp
Classification: Uncertain significance for Catecholaminergic polymorphic ventricular tachycardia 1. Last evaluated: 2022-03-05. Review status: criteria provided, single submitter. Criteria: Invitae Variant Classification Sherloc (09022015). Collection method: clinical testing. Allele origin: germline.
Comment: This sequence change replaces tyrosine, which is neutral and polar, with cysteine, which is neutral and slightly polar, at codon 3459 of the RYR2 protein (p.Tyr3459Cys). This variant is present in population databases (no rsID available, gnomAD 0.0009%). This variant has not been reported in the literature in individuals affected with RYR2-related conditions. Advanced modeling of protein sequence and biophysical properties (such as structural, functional, and spatial information, amino acid conservation, physicochemical variation, residue mobility, and thermodynamic stability) performed at Invitae indicates that this missense variant is expected to disrupt RYR2 protein function. In summary, the available evidence is currently insufficient to determine the role of this variant in disease. Therefore, it has been classified as a Variant of Uncertain Significance.